The following is an entry in ClinVar:

ClinVar aggregate classification (germline): Likely benign (1 of 4 stars; one submission).

Conditions:
Familial cancer of breast. Also called: Hereditary breast cancer; BREAST CANCER, FAMILIAL; hereditary breast carcinoma. Identifiers: Orphanet 227535, MedGen C0346153, MONDO:0016419, OMIM 114480. Disease mechanism: loss of function.

Submission:

Myriad Genetics, Inc.
Classification: Likely benign for Familial cancer of breast. Last evaluated: 2024-10-04. Review status: criteria provided, single submitter. Criteria: Myriad Autosomal Dominant, Autosomal Recessive and X-Linked Classification Criteria (2023). Collection method: clinical testing. Allele origin: unknown.
Comment: This variant is considered likely benign. This variant is intronic and is not expected to impact mRNA splicing.

NM_007194.4(CHEK2):c.909-13del

Gene: CHEK2 (checkpoint kinase 2; minus strand). Cytogenetic location: 22q12.1.
Variant type: Deletion.
Coding change: c.909-13del on transcript NM_007194.4 (MANE Select); 13 bases into the intron before coding-DNA position 909, one base deleted (C; older notation c.909-13delC).
Molecular consequence: intron variant.
Genome position (GRCh38, 1-based): chr22:28,699,950, G deleted on the plus strand (C on the coding strand, the reverse complement: CHEK2 is on the minus strand); the first of 2 consecutive G bases (chr22:28,699,950-28,699,951); deleting either gives the same sequence. VCF-style (leftmost placement, unchanged base first): chr22-28699949-AG-A. GRCh37 (hg19) VCF-style: chr22-29095937-AG-A.
Other names: c.246-13del (NM_001437942.1, NM_001257387.3); c.708-13del (NM_001349956.3); c.909-13del (NM_145862.3); c.1002-13del (NM_001438295.1, NM_001438293.1); c.1038-13del (NM_001438294.1, NM_001005735.3).
Identifiers: ClinVar variation 3772952 (VCV003772952.1).
Genomic context (GRCh38, chr22:28,699,949, plus strand): 5'-CAGGCGTTTATTCCCCACCACTTTGTCAAACAGCTCTCCCCCTTCCATCCTGAAACACAA[AG>A]GCAAGGCAAGGGGTTCATTCCTGGGGGAAAACGCACTTGGACAGAAGACAATAAAACAAC-3'